The following is an entry in ClinVar:

NM_007272.3(CTRC):c.295T>A (p.Ser99Thr)

Gene: CTRC (chymotrypsin C; plus strand). Cytogenetic location: 1p36.21.
Variant type: single nucleotide variant.
Coding change: c.295T>A on transcript NM_007272.3 (MANE Select); coding-DNA position 295, T replaced by A.
Protein change: p.Ser99Thr; replaces serine 99 with threonine.
Molecular consequence: missense variant.
Genome position (GRCh38, 1-based): chr1:15,442,511, T>A. VCF-style: chr1-15442511-T-A. GRCh37 (hg19) VCF-style: chr1-15769007-T-A.
Other names: short protein forms S99T.
Identifiers: ClinVar variation 2900092 (VCV002900092.4), dbSNP rs2526294543, ClinGen allele CA338565467.

ClinVar aggregate classification (germline): Uncertain significance. Review status: criteria provided, multiple submitters, no conflicts (2 of 4 stars). 2 submissions from 2 submitters: Uncertain significance (2). Last evaluated 2026-01-13.

Conditions:
Hereditary pancreatitis (PCTT). Also called: PRSS1-Related Hereditary Pancreatitis; Hereditary chronic pancreatitis. Identifiers: Orphanet 676, MedGen C0238339, MONDO:0008185, OMIM 167800.

Submissions (2):

Labcorp Genetics (formerly Invitae), Labcorp
Classification: Uncertain significance for Hereditary pancreatitis. Last evaluated: 2026-01-13. Review status: criteria provided, single submitter. Criteria: Invitae Variant Classification Sherloc (09022015). Collection method: clinical testing. Allele origin: germline.
Comment: This sequence change replaces serine, which is neutral and polar, with threonine, which is neutral and polar, at codon 99 of the CTRC protein (p.Ser99Thr). This variant is not present in population databases (gnomAD no frequency). This variant has not been reported in the literature in individuals affected with CTRC-related conditions. ClinVar contains an entry for this variant (Variation ID: 2900092). Invitae Evidence Modeling of protein sequence and biophysical properties (such as structural, functional, and spatial information, amino acid conservation, physicochemical variation, residue mobility, and thermodynamic stability) has been performed for this missense variant. However, the output from this modeling did not meet the statistical confidence thresholds required to predict the impact of this variant on CTRC protein function. In summary, the available evidence is currently insufficient to determine the role of this variant in disease. Therefore, it has been classified as a Variant of Uncertain Significance.

Blueprint Genetics
Classification: Uncertain significance. Last evaluated: 2023-06-12. Review status: criteria provided, single submitter. Criteria: ACMG Guidelines, 2015. Collection method: clinical testing. Allele origin: germline.